The following is an entry in ClinVar:

NM_021096.4(CACNA1I):c.2695G>A (p.Gly899Arg)

Gene: CACNA1I (calcium voltage-gated channel subunit alpha1 I; plus strand). Cytogenetic location: 22q13.1.
Variant type: single nucleotide variant.
Coding change: c.2695G>A on transcript NM_021096.4 (MANE Select); coding-DNA position 2695, G replaced by A.
Protein change: p.Gly899Arg; replaces glycine 899 with arginine.
Molecular consequence: missense variant.
Genome position (GRCh38, 1-based): chr22:39,660,434, G>A. VCF-style: chr22-39660434-G-A. GRCh37 (hg19) VCF-style: chr22-40056439-G-A.
Other names: c.2590G>A, p.Gly864Arg (NM_001003406.2); short protein forms G864R, G899R.
Identifiers: ClinVar variation 3050202 (VCV003050202.3), dbSNP rs201154154, ClinGen allele CA10244252.
Genomic context (GRCh38, chr22:39,660,434, plus strand): 5'-GACCAGAGCTCATCCAACATAGAAGAGTTTGATAAGCTCCAGGAAGGCCTGGACAGCAGC[G>A]GAGGTAAACAGGCCCTCGCTTGTCACCTAGAGAGCCCAGAGCCTTCTCCACAGATCCAGG-3'
Protein context (NP_066919.2, residues 889-909): DKLQEGLDSS[Gly899Arg]DPKLCPIPMT

ClinVar aggregate classification (germline): Uncertain significance. Review status: criteria provided, single submitter (1 of 4 stars). 2 submissions from 2 submitters: Uncertain significance (1). 1 of the submissions does not count toward it. Last evaluated 2025-08-06.

Conditions:
CACNA1I-related disorder. Also called: CACNA1I-related condition.

Allele frequency attached by ClinVar (database versions not stated): gnomAD exomes 0.00010; ExAC 0.00036; ESP Exome Variant Server 0.00105; 1000 Genomes Project 30x 0.00109; gnomAD 0.00115; TOPMed 0.00116; 1000 Genomes Project 0.00140.
gnomAD v4.1: 321 of 1,609,902 alleles (0.02%); highest among the groups gnomAD compares: African/African-American, 0.38%; 1 homozygote.

Submissions (2):

Ambry Genetics
Classification: Uncertain significance. Last evaluated: 2025-08-06. Review status: criteria provided, single submitter. Criteria: Ambry Variant Classification Scheme 2023. Collection method: clinical testing. Allele origin: germline.

PreventionGenetics, part of Exact Sciences
Classification: Benign for CACNA1I-related condition. Last evaluated: 2024-08-15. Review status: no assertion criteria provided. Collection method: clinical testing. Allele origin: germline. Not counted in ClinVar's aggregate classification.
Comment: This variant is classified as benign based on ACMG/AMP sequence variant interpretation guidelines (Richards et al. 2015 PMID: 25741868, with internal and published modifications).